The following is an entry in ClinVar:

ClinVar aggregate classification (germline): Conflicting classifications of pathogenicity. Review status: criteria provided, conflicting classifications (1 of 4 stars). 2 submissions from 2 submitters: Uncertain significance (1); Likely benign (1). Last evaluated 2025-01-13.

Conditions:
Holoprosencephaly 2 (HPE2). Identifiers: Orphanet 2162, MedGen C1834877, MONDO:0007999, OMIM 157170.

Submissions (2):

Labcorp Genetics (formerly Invitae), Labcorp
Classification: Uncertain significance for Holoprosencephaly 2. Last evaluated: 2025-01-13. Review status: criteria provided, single submitter. Criteria: Invitae Variant Classification Sherloc (09022015). Collection method: clinical testing. Allele origin: germline.
Comment: This variant, c.202_207dup, results in the insertion of 2 amino acid(s) of the SIX3 protein (p.Gly68_Gly69dup), but otherwise preserves the integrity of the reading frame. This variant is present in population databases (no rsID available, gnomAD 0.005%). This variant has not been reported in the literature in individuals affected with SIX3-related conditions. In summary, the available evidence is currently insufficient to determine the role of this variant in disease. Therefore, it has been classified as a Variant of Uncertain Significance.

Blueprint Genetics
Classification: Likely benign. Last evaluated: 2021-12-22. Review status: criteria provided, single submitter. Criteria: ACMG Guidelines, 2015. Collection method: clinical testing. Allele origin: germline.

NM_005413.4(SIX3):c.187GGC[9] (p.Gly69_Ser70insGlyGly)

Gene: SIX3 (SIX homeobox 3; plus strand). Cytogenetic location: 2p21.
Variant type: Microsatellite.
Coding change: c.187GGC[9] on transcript NM_005413.4 (MANE Select); nine copies in a row of the 3-base unit GGC starting at c.187; the reference has seven copies in a row; two copies, 6 bases duplicated.
Protein change: p.Gly69_Ser70insGlyGly.
Molecular consequence: inframe insertion.
Genome position (GRCh38, 1-based): chr2:44,942,306-44,942,311, GGCGGC duplicated; duplicating any 6 consecutive bases within chr2:44,942,291-44,942,311 gives the same sequence; the position shown is the placement nearest the transcript's 3' end. VCF-style (leftmost placement, unchanged base first): chr2-44942290-A-AGGCGGC. GRCh37 (hg19) VCF-style: chr2-45169429-A-AGGCGGC.
Identifiers: ClinVar variation 2917358 (VCV002917358.4), dbSNP rs555285206, ClinGen allele CA47011043.